The following is an entry in ClinVar:

NM_005235.3(ERBB4):c.1243A>G (p.Ser415Gly)

Gene: ERBB4 (erb-b2 receptor tyrosine kinase 4; minus strand). Cytogenetic location: 2q34.
Variant type: single nucleotide variant.
Coding change: c.1243A>G on transcript NM_005235.3 (MANE Select); coding-DNA position 1243, A replaced by G.
Protein change: p.Ser415Gly; replaces serine 415 with glycine.
Molecular consequence: missense variant.
Genome position (GRCh38, 1-based): chr2:211,704,150, T>C on the plus strand (A>G on the coding strand, the complement: ERBB4 is on the minus strand). VCF-style: chr2-211704150-T-C. GRCh37 (hg19) VCF-style: chr2-212568875-T-C.
Other names: c.1243A>G, p.Ser415Gly (NM_001042599.2); short protein forms S415G.
Identifiers: ClinVar variation 3650083 (VCV003650083.2).
Genomic context (GRCh38, chr2:211,704,150, plus strand): 5'-ACATATCCACTTACCTATAGAGTACTCTTCCACCAATGGTCACCAGGTTAGAAAAAACAC[T>C]GAAGTCAGTCATGTTTGGTGGCCATGACTGTATGTTCAGGAAACCTACAAGTGAAGAGTA-3'
Protein context (NP_005226.1, residues 405-425): QSWPPNMTDF[Ser415Gly]VFSNLVTIGG

ClinVar aggregate classification (germline): Uncertain significance (1 of 4 stars; one submission).

Submission:

Labcorp Genetics (formerly Invitae), Labcorp
Classification: Uncertain significance. Last evaluated: 2024-09-12. Review status: criteria provided, single submitter. Criteria: Invitae Variant Classification Sherloc (09022015). Collection method: clinical testing. Allele origin: germline.
Comment: This sequence change replaces serine, which is neutral and polar, with glycine, which is neutral and non-polar, at codon 415 of the ERBB4 protein (p.Ser415Gly). This variant is not present in population databases (gnomAD no frequency). This variant has not been reported in the literature in individuals affected with ERBB4-related conditions. Invitae Evidence Modeling of protein sequence and biophysical properties (such as structural, functional, and spatial information, amino acid conservation, physicochemical variation, residue mobility, and thermodynamic stability) indicates that this missense variant is not expected to disrupt ERBB4 protein function with a negative predictive value of 80%. In summary, the available evidence is currently insufficient to determine the role of this variant in disease. Therefore, it has been classified as a Variant of Uncertain Significance.